The following is an entry in ClinVar:

NM_003673.4(TCAP):c.192G>T (p.Ser64=)

Gene: TCAP (titin-cap; plus strand). Cytogenetic location: 17q12.
Variant type: single nucleotide variant.
Coding change: c.192G>T on transcript NM_003673.4 (MANE Select); coding-DNA position 192, G replaced by T.
Protein change: p.Ser64=; no amino-acid change (serine 64 retained).
Molecular consequence: synonymous variant.
Genome position (GRCh38, 1-based): chr17:39,665,797, G>T. VCF-style: chr17-39665797-G-T. GRCh37 (hg19) VCF-style: chr17-37822050-G-T.
Identifiers: ClinVar variation 757231 (VCV000757231.14), dbSNP rs771585295, ClinGen allele CA499889102.

ClinVar aggregate classification (germline): Likely benign. Review status: criteria provided, multiple submitters, no conflicts (2 of 4 stars). 4 submissions from 4 submitters: Likely benign (3). 1 of the submissions does not count toward it. Last evaluated 2026-04-10.

Conditions:
Cardiovascular phenotype. Identifiers: MedGen CN230736.
TCAP-related disorder. Also called: TCAP-related condition.
Hypertrophic cardiomyopathy 25 (CMH25). Also called: CARDIOMYOPATHY, FAMILIAL HYPERTROPHIC, 25. Identifiers: MedGen C4225408, MONDO:0011843, OMIM 607487.
Primary familial hypertrophic cardiomyopathy (HCM). Identifiers: Orphanet 99739, MedGen C0949658, MeSH D024741, MONDO:0024573. Inheritance: Various modes of inheritance.

Allele frequency attached by ClinVar (database versions not stated): TOPMed 0.00001.

Submissions (4):

Women's Health and Genetics/Laboratory Corporation of America, LabCorp
Classification: Likely benign. Last evaluated: 2026-04-10. Review status: criteria provided, single submitter. Criteria: LabCorp Variant Classification Summary - May 2015. Collection method: clinical testing. Allele origin: germline.

Labcorp Genetics (formerly Invitae), Labcorp
Classification: Likely benign for Hypertrophic cardiomyopathy 25; Primary familial hypertrophic cardiomyopathy. Last evaluated: 2024-10-09. Review status: criteria provided, single submitter. Criteria: Invitae Variant Classification Sherloc (09022015). Collection method: clinical testing. Allele origin: germline.

Ambry Genetics
Classification: Likely benign for Cardiovascular phenotype. Last evaluated: 2023-02-10. Review status: criteria provided, single submitter. Criteria: Ambry Variant Classification Scheme 2023. Collection method: clinical testing. Allele origin: germline.

PreventionGenetics, part of Exact Sciences
Classification: Likely benign for TCAP-related condition. Last evaluated: 2020-10-28. Review status: no assertion criteria provided. Collection method: clinical testing. Allele origin: germline. Not counted in ClinVar's aggregate classification.
Comment: This variant is classified as likely benign based on ACMG/AMP sequence variant interpretation guidelines (Richards et al. 2015 PMID: 25741868, with internal and published modifications).